The following is an entry in ClinVar:

ClinVar aggregate classification (germline): Pathogenic (1 of 4 stars; one submission).

Conditions:
Renal carnitine transport defect (CDSP). Also called: CARNITINE DEFICIENCY, SYSTEMIC, DUE TO DEFECT IN RENAL REABSORPTION OF CARNITINE; CARNITINE TRANSPORTER, PLASMA-MEMBRANE, DEFICIENCY OF; CARNITINE UPTAKE DEFECT; Carnitine transporter deficiency; Carnitine Deficiency, Systemic; Systemic primary carnitine deficiency disease. Identifiers: Orphanet 158, MedGen C0342788, MONDO:0008919, OMIM 212140.

Submission:

Labcorp Genetics (formerly Invitae), Labcorp
Classification: Pathogenic for Renal carnitine transport defect. Last evaluated: 2023-12-01. Review status: criteria provided, single submitter. Criteria: Invitae Variant Classification Sherloc (09022015). Collection method: clinical testing. Allele origin: germline.
Comment: This sequence change creates a premature translational stop signal (p.Pro143Hisfs*33) in the SLC22A5 gene. It is expected to result in an absent or disrupted protein product. Loss-of-function variants in SLC22A5 are known to be pathogenic (PMID: 9916797). This variant is not present in population databases (gnomAD no frequency). This variant has not been reported in the literature in individuals affected with SLC22A5-related conditions. ClinVar contains an entry for this variant (Variation ID: 2021354). For these reasons, this variant has been classified as Pathogenic.

Literature cited by the submitters: PubMed 9916797.

NM_003060.4(SLC22A5):c.428del (p.Pro143fs)

Gene: SLC22A5 (solute carrier family 22 member 5; plus strand). Cytogenetic location: 5q31.1.
Variant type: Deletion.
Coding change: c.428del on transcript NM_003060.4 (MANE Select); coding-DNA position 428, one base deleted (C; older notation c.428delC).
Protein change: p.Pro143fs; shifts the reading frame from proline 143.
Molecular consequence: frameshift variant.
Genome position (GRCh38, 1-based): chr5:132,378,412, C deleted; the last of 4 consecutive C bases (chr5:132,378,409-132,378,412); deleting any one gives the same sequence. VCF-style (leftmost placement, unchanged base first): chr5-132378408-GC-G. GRCh37 (hg19) VCF-style: chr5-131714100-GC-G.
Other names: c.500del, p.Pro167fs (NM_001308122.2); short protein forms P167fs, P143fs.
Identifiers: ClinVar variation 2021354 (VCV002021354.4), dbSNP rs2532106510, ClinGen allele CA2578401990.
Genomic context (GRCh38, chr5:132,378,408, plus strand): 5'-AATGATACACCCCCTTTGCTCATCTTGCAGTGGAACCTGGTGTGTGAGGACGACTGGAAG[GC>G]CCCACTCACAATCTCCTTGTTCTTCGTGGGTGTGCTGTTGGGCTCCTTCATTTCAGGGCA-3'